The following is an entry in ClinVar:

ClinVar aggregate classification (germline): Uncertain significance (1 of 4 stars; one submission).

Submission:

ARUP Laboratories, Molecular Genetics and Genomics, ARUP Laboratories
Classification: Uncertain significance. Last evaluated: 2019-05-16. Review status: criteria provided, single submitter. Criteria: ARUP Molecular Germline Variant Investigation Process. Collection method: clinical testing. Allele origin: germline.
Comment: The Hb Boyle Heights variant (HBA1: c.19_21delGAC; p.Asp7del, also known as Asp6del when numbered from the mature protein; rs281865565) has been previously reported in the medical literature in a heterozgyous individual without substantial clinical symptoms (HbVar database and references therein). This variant is absent from general population databases (Exome Variant Server, Genome Aggregation Database), indicating it is not a common polymorphism. The variant protein is considered unstable, and shows increased oxygen affinity (HbVar database and references therein). The variant is predicted to result in an in-frame deletion of the aspartate at residue 7. Due to the limited information regarding this variant, its clinical significance could not be determined with certainty. References: Link to HbVar database for Hb Boyle Heights

NM_000558.5(HBA1):c.19_21del (p.Asp7del)

Genes: HBA1 (hemoglobin subunit alpha 1; plus strand), LOC106804613 (hemoglobin subunit alpha 1 recombination region; plus strand). Cytogenetic location: 16p13.3.
Variant type: Deletion.
Coding change: c.19_21del on transcript NM_000558.5 (MANE Select); coding-DNA positions 19 to 21, 3 bases deleted (GAC; older notation c.19_21delGAC).
Protein change: p.Asp7del; deletes aspartic acid 7.
Molecular consequence: inframe deletion.
Genome position (GRCh38, 1-based): chr16:176,735-176,737, GAC deleted; deleting any 3 consecutive bases within chr16:176,734-176,737 gives the same sequence; the c. name uses the placement nearest the transcript's 3' end. VCF-style (leftmost placement, unchanged base first): chr16-176733-CCGA-C. GRCh37 (hg19) VCF-style: chr16-226732-CCGA-C.
Other names: short protein forms D7del.
Identifiers: ClinVar variation 812042 (VCV000812042.8), dbSNP rs281865565, ClinGen allele CA276416411.
Genomic context (GRCh38, chr16:176,733, plus strand): 5'-GCCCGGCACTCTTCTGGTCCCCACAGACTCAGAGAGAACCCACCATGGTGCTGTCTCCTG[CCGA>C]CAAGACCAACGTCAAGGCCGCCTGGGGTAAGGTCGGCGCGCACGCTGGCGAGTATGGTGC-3'